The following is an entry in ClinVar:

ClinVar aggregate classification (germline): Uncertain significance. Review status: criteria provided, multiple submitters, no conflicts (2 of 4 stars). 2 submissions from 2 submitters: Uncertain significance (2). Last evaluated 2025-09-01.

Conditions:
Inborn genetic diseases. Identifiers: MedGen C0950123, MeSH D030342.

Allele frequency attached by ClinVar (database versions not stated): gnomAD exomes 0.00001; ExAC 0.00002; TOPMed 0.00002; gnomAD 0.00003.

Submissions (2):

Ambry Genetics
Classification: Uncertain significance for Inborn genetic diseases. Last evaluated: 2025-09-01. Review status: criteria provided, single submitter. Criteria: Ambry Variant Classification Scheme 2023. Collection method: clinical testing. Allele origin: germline.

Labcorp Genetics (formerly Invitae), Labcorp
Classification: Uncertain significance. Last evaluated: 2022-06-07. Review status: criteria provided, single submitter. Criteria: Invitae Variant Classification Sherloc (09022015). Collection method: clinical testing. Allele origin: germline.
Comment: In summary, the available evidence is currently insufficient to determine the role of this variant in disease. Therefore, it has been classified as a Variant of Uncertain Significance. Algorithms developed to predict the effect of missense changes on protein structure and function are either unavailable or do not agree on the potential impact of this missense change (SIFT: "Tolerated"; PolyPhen-2: "Possibly Damaging"; Align-GVGD: "Class C0"). This variant has not been reported in the literature in individuals affected with AGBL5-related conditions. This variant is present in population databases (rs754128307, gnomAD 0.004%). This sequence change replaces arginine, which is basic and polar, with glutamine, which is neutral and polar, at codon 299 of the AGBL5 protein (p.Arg299Gln).

NM_021831.6(AGBL5):c.896G>A (p.Arg299Gln)

Gene: AGBL5 (AGBL carboxypeptidase 5; plus strand). Cytogenetic location: 2p23.3.
Variant type: single nucleotide variant.
Coding change: c.896G>A on transcript NM_021831.6 (MANE Select); coding-DNA position 896, G replaced by A.
Protein change: p.Arg299Gln; replaces arginine 299 with glutamine.
Molecular consequence: missense variant. On other transcripts: non-coding transcript variant (2).
Genome position (GRCh38, 1-based): chr2:27,055,241, G>A. VCF-style: chr2-27055241-G-A. GRCh37 (hg19) VCF-style: chr2-27278109-G-A.
Other names: c.896G>A, p.Arg299Gln (NM_001035506.1, NM_001035507.3); c.896G>A (NM_021831.5); short protein forms R299Q.
Identifiers: ClinVar variation 2175924 (VCV002175924.3), dbSNP rs754128307, ClinGen allele CA1567751.